The following is an entry in ClinVar:

NM_000435.3(NOTCH3):c.1817G>A (p.Cys606Tyr)

Gene: NOTCH3 (notch receptor 3; minus strand). Cytogenetic location: 19p13.12.
Variant type: single nucleotide variant.
Coding change: c.1817G>A on transcript NM_000435.3 (MANE Select); coding-DNA position 1817, G replaced by A.
Protein change: p.Cys606Tyr; replaces cysteine 606 with tyrosine.
Molecular consequence: missense variant.
Genome position (GRCh38, 1-based): chr19:15,187,128, C>T on the plus strand (G>A on the coding strand, the complement: NOTCH3 is on the minus strand). VCF-style: chr19-15187128-C-T. GRCh37 (hg19) VCF-style: chr19-15297939-C-T.
Other names: short protein forms C606Y.
Identifiers: ClinVar variation 3340732 (VCV003340732.1).

ClinVar aggregate classification (germline): Likely pathogenic (1 of 4 stars; one submission).

Submission:

GeneDx
Classification: Likely pathogenic. Last evaluated: 2023-10-04. Review status: criteria provided, single submitter. Criteria: GeneDx Variant Classification Process June 2021. Collection method: clinical testing. Allele origin: germline. Affected: yes.
Comment: Not observed at significant frequency in large population cohorts (gnomAD); In silico analysis supports that this missense variant has a deleterious effect on protein structure/function; Has not been previously published as pathogenic or benign to our knowledge; This variant is associated with the following publications: (PMID: 28710804, 22664156, 32555735, 34741685, 24844136)